The following is an entry in ClinVar:

NM_001377.3(DYNC2H1):c.1967G>A (p.Gly656Glu)

Gene: DYNC2H1 (dynein cytoplasmic 2 heavy chain 1; plus strand). Cytogenetic location: 11q22.3.
Variant type: single nucleotide variant.
Coding change: c.1967G>A on transcript NM_001377.3 (MANE Select); coding-DNA position 1967, G replaced by A.
Protein change: p.Gly656Glu; replaces glycine 656 with glutamic acid.
Molecular consequence: missense variant.
Genome position (GRCh38, 1-based): chr11:103,133,568, G>A. VCF-style: chr11-103133568-G-A. GRCh37 (hg19) VCF-style: chr11-103004297-G-A.
Other names: c.1967G>A, p.Gly656Glu (NM_001080463.2); short protein forms G656E.
Identifiers: ClinVar variation 1061916 (VCV001061916.9), dbSNP rs1859382317, ClinGen allele CA382257339.
Genomic context (GRCh38, chr11:103,133,568, plus strand): 5'-AAAAAAGAAATACTTATACATACTAAAGGTTATTTATTGTACCATAGAATTCAAAAGCAG[G>A]AAGTGGAGGGAAATCACAGATAACTTGGGATAATCCTAAAGAATTAGAAGGCTATATCCA-3'
Protein context (NP_001368.2, residues 646-666): FEQIIKNSKA[Gly656Glu]SGGKSQITWD

ClinVar aggregate classification (germline): Uncertain significance (1 of 4 stars; one submission).

Conditions:
Jeune thoracic dystrophy. Also called: Jeune syndrome; Infantile thoracic dystrophy; Thoracic pelvic phalangeal dystrophy; Jeune's syndrome; Chondroectodermal dysplasia-like syndrome; Short-rib thoracic dysplasia. Identifiers: Orphanet 474, MedGen C0265275, MONDO:0018770.

Allele frequency attached by ClinVar (database versions not stated): gnomAD 0.00001.

Submission:

Labcorp Genetics (formerly Invitae), Labcorp
Classification: Uncertain significance for Jeune thoracic dystrophy. Last evaluated: 2021-05-13. Review status: criteria provided, single submitter. Criteria: Invitae Variant Classification Sherloc (09022015). Collection method: clinical testing. Allele origin: germline.
Comment: This sequence change replaces glycine with glutamic acid at codon 656 of the DYNC2H1 protein (p.Gly656Glu). The glycine residue is highly conserved and there is a moderate physicochemical difference between glycine and glutamic acid. This variant is not present in population databases (ExAC no frequency). This variant has not been reported in the literature in individuals with DYNC2H1-related conditions. Advanced modeling of protein sequence and biophysical properties (such as structural, functional, and spatial information, amino acid conservation, physicochemical variation, residue mobility, and thermodynamic stability) performed at Invitae indicates that this missense variant is not expected to disrupt DYNC2H1 protein function. In summary, the available evidence is currently insufficient to determine the role of this variant in disease. Therefore, it has been classified as a Variant of Uncertain Significance.